The following is an entry in ClinVar:

NM_006306.4(SMC1A):c.1931C>A (p.Thr644Asn)

Gene: SMC1A (structural maintenance of chromosomes 1A; minus strand). Cytogenetic location: Xp11.22.
Variant type: single nucleotide variant.
Coding change: c.1931C>A on transcript NM_006306.4 (MANE Select); coding-DNA position 1931, C replaced by A.
Protein change: p.Thr644Asn; replaces threonine 644 with asparagine.
Molecular consequence: missense variant.
Genome position (GRCh38, 1-based): chrX:53,405,372, G>T on the plus strand (C>A on the coding strand, the complement: SMC1A is on the minus strand). VCF-style: chrX-53405372-G-T. GRCh37 (hg19) VCF-style: chrX-53432304-G-T.
Other names: c.1865C>A, p.Thr622Asn (NM_001281463.1); short protein forms T622N, T644N.
Identifiers: ClinVar variation 4759480 (VCV004759480.1).

ClinVar aggregate classification (germline): Uncertain significance (1 of 4 stars; one submission).

Conditions:
Congenital muscular hypertrophy-cerebral syndrome (CDLS2). Also called: Cornelia de Lange syndrome 2; SMC1A-Related Cornelia de Lange Syndrome. Identifiers: Orphanet 199, MedGen C1802395, MONDO:0010370, OMIM 300590.

Submission:

Illumina Laboratory Services, Illumina
Classification: Uncertain significance for Congenital muscular hypertrophy-cerebral syndrome. Last evaluated: 2024-03-12. Review status: criteria provided, single submitter. Criteria: ISL SNV Classification Criteria 03 February 2026. Collection method: clinical testing. Allele origin: unknown.
Comment: The SMC1A c.1931C>A p.(Thr644Asn) missense variant has not, to our knowledge, been reported in the peer-reviewed literature. This variant is not observed in version 2.1.1 or version 4.0.0 of the Genome Aggregation Database. Multiple lines of computational evidence suggest the variant may impact the gene or gene product. Based on the available evidence, the c.1931C>A p.(Thr644Asn) variant is classified as a variant of uncertain significance for Cornelia de Lange syndrome.